The following is an entry in ClinVar:

ClinVar aggregate classification (germline): Pathogenic (1 of 4 stars; one submission).

Conditions:
Hereditary cancer-predisposing syndrome. Also called: Hereditary Cancer Syndrome; Neoplastic Syndromes, Hereditary; Hereditary neoplastic syndrome; Tumor predisposition. Identifiers: Orphanet 140162, MedGen C0027672, MeSH D009386, MONDO:0015356.

Submission:

Ambry Genetics
Classification: Pathogenic for Hereditary cancer-predisposing syndrome. Last evaluated: 2016-05-14. Review status: criteria provided, single submitter. Criteria: Ambry Variant Classification Scheme 2023. Collection method: clinical testing. Allele origin: germline.
Comment: The c.603_607delGGGCA pathogenic mutation, located in coding exon 3 of the FLCN gene, results from a deletion of 5 nucleotides between nucleotide positions 603 and 607, causing a translational frameshift with a predicted alternate stop codon. Since frameshifts are typically deleterious in nature, this alteration is interpreted as a disease-causing mutation (ACMG Recommendations for Standards for Interpretation and Reporting of Sequence Variations. Revision 2007. Genet Med. 2008;10:294).

NM_144997.7(FLCN):c.603_607del (p.Lys203fs)

Gene: FLCN (folliculin; minus strand). Cytogenetic location: 17p11.2.
Variant type: Deletion.
Coding change: c.603_607del on transcript NM_144997.7 (MANE Select); coding-DNA positions 603 to 607, 5 bases deleted (GGGCA; older notation c.603_607delGGGCA).
Protein change: p.Lys203fs; shifts the reading frame from lysine 203.
Molecular consequence: frameshift variant.
Genome position (GRCh38, 1-based): chr17:17,223,933-17,223,937, TGCCC deleted on the plus strand (GGGCA on the coding strand, the reverse complement: FLCN is on the minus strand); deleting any 5 consecutive bases within chr17:17,223,933-17,223,939 gives the same sequence; the c. name uses the placement nearest the transcript's 3' end. VCF-style (leftmost placement, unchanged base first): chr17-17223932-TTGCCC-T. GRCh37 (hg19) VCF-style: chr17-17127246-TTGCCC-T.
Other names: c.603_607del (LRG_325t1); c.657_661del, p.Lys221fs (NM_001353229.2); c.603_607del, p.Lys203fs (NM_001353230.2, NM_001353231.2, NM_144606.7); short protein forms K203fs, K221fs.
Identifiers: ClinVar variation 428650 (VCV000428650.5), dbSNP rs1131690836, ClinGen allele CA645369644.
Genomic context (GRCh38, chr17:17,223,932, plus strand): 5'-CATGCAGTGCAGGGCCCCCTGCCGCCCCGGCACCTCATCTCTGAATTCACCTTGAGCGCC[TTGCCC>T]TGGAGCTCATCGATGATTCCCCGGACCTTCCCCAGCAGGAAGGGCCAGGAGTTGATGAGG-3'